The following is an entry in ClinVar:

ClinVar aggregate classification (germline): Likely benign. Review status: criteria provided, multiple submitters, no conflicts (2 of 4 stars). 2 submissions from 2 submitters: Likely benign (2). Last evaluated 2023-05-24.

Conditions:
Neuronal ceroid lipofuscinosis. Also called: Neuronal Ceroid Lipofuscinoses. Identifiers: Orphanet 216, Orphanet 79263, MedGen C0027877, MONDO:0016295. Disease mechanism: loss of function.

Allele frequency attached by ClinVar (database versions not stated): gnomAD exomes 0.00001.
gnomAD v4.1: 9 of 1,614,160 alleles (0.00056%); highest among the groups gnomAD compares: South Asian, 0.0033%; no homozygotes.

Submissions (2):

Labcorp Genetics (formerly Invitae), Labcorp
Classification: Likely benign for Neuronal ceroid lipofuscinosis. Last evaluated: 2023-05-24. Review status: criteria provided, single submitter. Criteria: Invitae Variant Classification Sherloc (09022015). Collection method: clinical testing. Allele origin: germline.

GeneDx
Classification: Likely benign. Last evaluated: 2017-09-19. Review status: criteria provided, single submitter. Criteria: GeneDx Variant Classification (06012015). Collection method: clinical testing. Allele origin: germline. Affected: yes.
Comment: This variant is considered likely benign or benign based on one or more of the following criteria: it is a conservative change, it occurs at a poorly conserved position in the protein, it is predicted to be benign by multiple in silico algorithms, and/or has population frequency not consistent with disease.

NM_017882.3(CLN6):c.774C>T (p.Asn258=)

Gene: CLN6 (CLN6 transmembrane ER protein; minus strand). Cytogenetic location: 15q23.
Variant type: single nucleotide variant.
Coding change: c.774C>T on transcript NM_017882.3 (MANE Select); coding-DNA position 774, C replaced by T.
Protein change: p.Asn258=; no amino-acid change (asparagine 258 retained).
Molecular consequence: synonymous variant.
Genome position (GRCh38, 1-based): chr15:68,208,302, G>A on the plus strand (C>T on the coding strand, the complement: CLN6 is on the minus strand). VCF-style: chr15-68208302-G-A. GRCh37 (hg19) VCF-style: chr15-68500640-G-A.
Identifiers: ClinVar variation 512240 (VCV000512240.9), dbSNP rs1555438231, ClinGen allele CA491099979.